The following is an entry in ClinVar:

NM_153460.4(IL17RC):c.896A>G (p.Asn299Ser)

Gene: IL17RC (interleukin 17 receptor C; plus strand). Cytogenetic location: 3p25.3.
Variant type: single nucleotide variant.
Coding change: c.896A>G on transcript NM_153460.4 (MANE Select); coding-DNA position 896, A replaced by G.
Protein change: p.Asn299Ser; replaces asparagine 299 with serine.
Molecular consequence: missense variant. On other transcripts: non-coding transcript variant (1).
Genome position (GRCh38, 1-based): chr3:9,928,323, A>G. VCF-style: chr3-9928323-A-G. GRCh37 (hg19) VCF-style: chr3-9970007-A-G.
Other names: c.896A>G, p.Asn299Ser (NM_001203263.2, NM_001203264.2); c.851A>G, p.Asn284Ser (NM_001203265.2, NM_001367280.1, NM_032732.6); c.857A>G, p.Asn286Ser (NM_001367278.1); c.776A>G, p.Asn259Ser (NM_001367279.1); c.1109A>G, p.Asn370Ser (NM_153461.4); short protein forms N286S, N284S, N259S, N299S, N370S.
Identifiers: ClinVar variation 1376336 (VCV001376336.8), dbSNP rs1575584322, ClinGen allele CA351761360.

ClinVar aggregate classification (germline): Uncertain significance (1 of 4 stars; one submission).

Conditions:
Candidiasis, familial, 9 (CANDF9). Identifiers: Orphanet 1334, MedGen C4225324, MONDO:0014642, OMIM 616445.

Submission:

Labcorp Genetics (formerly Invitae), Labcorp
Classification: Uncertain significance for Candidiasis, familial, 9. Last evaluated: 2022-10-13. Review status: criteria provided, single submitter. Criteria: Invitae Variant Classification Sherloc (09022015). Collection method: clinical testing. Allele origin: germline.
Comment: In summary, the available evidence is currently insufficient to determine the role of this variant in disease. Therefore, it has been classified as a Variant of Uncertain Significance. Algorithms developed to predict the effect of missense changes on protein structure and function are either unavailable or do not agree on the potential impact of this missense change (SIFT: "Deleterious"; PolyPhen-2: "Probably Damaging"; Align-GVGD: "Class C0"). ClinVar contains an entry for this variant (Variation ID: 1376336). This variant has not been reported in the literature in individuals affected with IL17RC-related conditions. This variant is not present in population databases (gnomAD no frequency). This sequence change replaces asparagine, which is neutral and polar, with serine, which is neutral and polar, at codon 370 of the IL17RC protein (p.Asn370Ser).